The following is an entry in ClinVar:

NM_017696.3(MCM9):c.2358G>T (p.Lys786Asn)

Gene: MCM9 (minichromosome maintenance 9 homologous recombination repair factor; minus strand). Cytogenetic location: 6q22.31.
Variant type: single nucleotide variant.
Coding change: c.2358G>T on transcript NM_017696.3 (MANE Select); coding-DNA position 2358, G replaced by T.
Protein change: p.Lys786Asn; replaces lysine 786 with asparagine.
Molecular consequence: missense variant. On other transcripts: 3 prime UTR variant (4), non-coding transcript variant (1).
Genome position (GRCh38, 1-based): chr6:118,815,898, C>A on the plus strand (G>T on the coding strand, the complement: MCM9 is on the minus strand). VCF-style: chr6-118815898-C-A. GRCh37 (hg19) VCF-style: chr6-119137061-C-A.
Other names: c.2358G>T, p.Lys786Asn (NM_001378356.1, NM_001378357.1); c.*265G>T (NM_001378359.1, NM_001378360.1, NM_001378366.1 and 1 more transcripts); c.2154G>T, p.Lys718Asn (NM_001378364.1); short protein forms K718N, K786N.
Identifiers: ClinVar variation 3383414 (VCV003383414.2).
Genomic context (GRCh38, chr6:118,815,898, plus strand): 5'-TGTCTCTCCTGGTGATGGAAGCAACCCAATGTCCACTTTGCTCCTTTGGCCTGGCTCACT[C>A]TTCTCCTTACCCTGAGATGTGCTGTTAGAGATCTTCGAAGCCATATTTTCTCCAGATGTT-3'
Protein context (NP_060166.2, residues 776-796): ISNSTSQGKE[Lys786Asn]SEPGQRSKVD

ClinVar aggregate classification (germline): Uncertain significance (1 of 4 stars; one submission).

Submission:

Centre of Medical Genetics, University Hospital Muenster
Classification: Uncertain significance. Last evaluated: 2024-03-08. Review status: criteria provided, single submitter. Criteria: ACMG Guidelines, 2015. Collection method: clinical testing. Allele origin: unknown. Affected: yes. Observed: 1 variant allele, 1 homozygote.
Comment: ACMG categories: PM2,BP1